The following is an entry in ClinVar:

ClinVar aggregate classification (germline): Uncertain significance (1 of 4 stars; one submission).

Conditions:
Facioscapulohumeral muscular dystrophy 2 (FSHD2). Also called: MUSCULAR DYSTROPHY, FACIOSCAPULOHUMERAL, TYPE 1B; FACIOSCAPULOHUMERAL MUSCULAR DYSTROPHY 2, DIGENIC; FSHD2, DIGENIC. Identifiers: Orphanet 269, MedGen C1834671, MONDO:0008031, OMIM 158901.

Allele frequency attached by ClinVar (database versions not stated): gnomAD exomes below 0.00001; ExAC 0.00001.

Submission:

Labcorp Genetics (formerly Invitae), Labcorp
Classification: Uncertain significance for Facioscapulohumeral muscular dystrophy 2. Last evaluated: 2022-07-25. Review status: criteria provided, single submitter. Criteria: Invitae Variant Classification Sherloc (09022015). Collection method: clinical testing. Allele origin: germline.
Comment: In summary, the available evidence is currently insufficient to determine the role of this variant in disease. Therefore, it has been classified as a Variant of Uncertain Significance. Algorithms developed to predict the effect of missense changes on protein structure and function are either unavailable or do not agree on the potential impact of this missense change (SIFT: "Deleterious"; PolyPhen-2: "Benign"; Align-GVGD: "Class C0"). ClinVar contains an entry for this variant (Variation ID: 1395766). This variant has not been reported in the literature in individuals affected with SMCHD1-related conditions. This variant is present in population databases (rs764839018, gnomAD 0.006%). This sequence change replaces isoleucine, which is neutral and non-polar, with lysine, which is basic and polar, at codon 1061 of the SMCHD1 protein (p.Ile1061Lys).

NM_015295.3(SMCHD1):c.3182T>A (p.Ile1061Lys)

Gene: SMCHD1 (structural maintenance of chromosomes flexible hinge domain containing 1; plus strand). Cytogenetic location: 18p11.32.
Variant type: single nucleotide variant.
Coding change: c.3182T>A on transcript NM_015295.3 (MANE Select); coding-DNA position 3182, T replaced by A.
Protein change: p.Ile1061Lys; replaces isoleucine 1061 with lysine.
Molecular consequence: missense variant.
Genome position (GRCh38, 1-based): chr18:2,732,398, T>A. VCF-style: chr18-2732398-T-A. GRCh37 (hg19) VCF-style: chr18-2732396-T-A.
Other names: short protein forms I1061K.
Identifiers: ClinVar variation 1395766 (VCV001395766.6), dbSNP rs764839018, ClinGen allele CA8871144.